The following is an entry in ClinVar:

ClinVar aggregate classification (germline): Uncertain significance. Review status: criteria provided, multiple submitters, no conflicts (2 of 4 stars). 4 submissions from 4 submitters: Uncertain significance (4). Last evaluated 2025-12-05.

Conditions:
PCARE-related disorder. Also called: PCARE-related condition.

Allele frequency attached by ClinVar (database versions not stated): TOPMed 0.00004.
gnomAD v4.1: 36 of 1,614,042 alleles (0.0022%); highest among the groups gnomAD compares: Middle Eastern, 0.033%; no homozygotes.

Submissions (4):

PreventionGenetics, part of Exact Sciences
Classification: Uncertain significance for PCARE-related condition. Last evaluated: 2025-12-05. Review status: criteria provided, single submitter. Criteria: ACMG Guidelines, 2015. Collection method: clinical testing. Allele origin: germline.
Comment: The PCARE c.2336C>A variant is predicted to result in the amino acid substitution p.Pro779Gln. To our knowledge, this variant has not been reported in the literature. This variant is reported in 0.058% of alleles in individuals of Ashkenazi Jewish descent in gnomAD. At this time, the clinical significance of this variant is uncertain due to the absence of conclusive functional and genetic evidence.

Blueprint Genetics
Classification: Uncertain significance. Last evaluated: 2024-11-04. Review status: criteria provided, single submitter. Criteria: ACMG Guidelines, 2015. Collection method: clinical testing. Allele origin: germline.

Labcorp Genetics (formerly Invitae), Labcorp
Classification: Uncertain significance. Last evaluated: 2023-08-04. Review status: criteria provided, single submitter. Criteria: Invitae Variant Classification Sherloc (09022015). Collection method: clinical testing. Allele origin: germline.
Comment: In summary, the available evidence is currently insufficient to determine the role of this variant in disease. Therefore, it has been classified as a Variant of Uncertain Significance. An algorithm developed to predict the effect of missense changes on protein structure and function (PolyPhen-2) suggests that this variant is likely to be disruptive. ClinVar contains an entry for this variant (Variation ID: 1047107). This variant has not been reported in the literature in individuals affected with PCARE-related conditions. This variant is present in population databases (rs763558017, gnomAD 0.06%). This sequence change replaces proline, which is neutral and non-polar, with glutamine, which is neutral and polar, at codon 779 of the PCARE protein (p.Pro779Gln).

Breakthrough Genomics
Classification: Uncertain significance. Review status: criteria provided, single submitter. Criteria: ACMG Guidelines, 2015. Collection method: not provided. Allele origin: germline. Inheritance: Unknown mechanism. Affected: yes.

NM_001029883.3(PCARE):c.2336C>A (p.Pro779Gln)

Gene: PCARE (photoreceptor cilium actin regulator; minus strand). Cytogenetic location: 2p23.2.
Variant type: single nucleotide variant.
Coding change: c.2336C>A on transcript NM_001029883.3 (MANE Select); coding-DNA position 2336, C replaced by A.
Protein change: p.Pro779Gln; replaces proline 779 with glutamine.
Molecular consequence: missense variant.
Genome position (GRCh38, 1-based): chr2:29,071,926, G>T on the plus strand (C>A on the coding strand, the complement: PCARE is on the minus strand). VCF-style: chr2-29071926-G-T. GRCh37 (hg19) VCF-style: chr2-29294792-G-T.
Other names: c.2336C>A (NM_001029883.2); short protein forms P779Q.
Identifiers: ClinVar variation 1047107 (VCV001047107.9), dbSNP rs763558017, ClinGen allele CA1592225.